The following is an entry in ClinVar:

ClinVar aggregate classification (germline): Pathogenic/Likely pathogenic. Review status: criteria provided, multiple submitters, no conflicts (2 of 4 stars). 4 submissions from 4 submitters: Pathogenic (1); Likely pathogenic (2). 1 of the submissions does not count toward it. Last evaluated 2025-01-08.

Conditions:
Myoclonic epilepsy of Lafora 1 (MELF1). Also called: EPM2A-Related Lafora Disease; Epilepsy, progressive myoclonic 2A (Lafora); EPILEPSY, PROGRESSIVE MYOCLONIC, 2A; LAFORA DISEASE 1. Identifiers: MedGen CN377204, MONDO:0958199, OMIM 254780.
Progressive myoclonic epilepsy. Also called: Familial progressive myoclonic epilepsy; Myoclonic Epilepsies, Progressive; Progressive myoclonus epilepsy; Myoclonus epilepsy. Identifiers: Orphanet 308, Orphanet 98261, MedGen C0751778, MONDO:0020074.
Lafora disease. Also called: Epilepsy progressive myoclonic 2; Progressive Myoclonus Epilepsy, Lafora Type. Identifiers: Orphanet 501, MedGen C0751783, MONDO:0009697.

Allele frequency attached by ClinVar (database versions not stated): gnomAD exomes below 0.00001; TOPMed below 0.00001; gnomAD 0.00001.
gnomAD v4.1: 2 of 1,243,234 alleles (0.00016%); highest among the groups gnomAD compares: African/African-American, 0.0016%; no homozygotes.

Submissions (4):

Broad Center for Mendelian Genomics, Broad Institute of MIT and Harvard
Classification: Likely pathogenic for Lafora disease. Last evaluated: 2025-01-08. Review status: criteria provided, single submitter. Criteria: ACMG Guidelines, 2015. Collection method: curation. Allele origin: germline. Inheritance: Autosomal recessive inheritance.
Comment: The p.Trp32Gly variant in EPM2A has been reported in 6 individuals with Lafora disease (PMID: 10932264, 34755096, 33084218, 34117373), and has been identified in 0.002% (1/63032) of African/African American chromosomes by the Genome Aggregation Database (gnomAD; dbSNP rs104893955). Although this variant has been seen in the general population in a heterozygous state, its frequency is low enough to be consistent with a recessive carrier frequency. This variant has also been reported in ClinVar (Variation ID: 3107) and has been interpreted as likely pathogenic by GeneDx and pathogenic by Invitae and OMIM. Of the 6 affected individuals, 1 was a homozygote and 1 was a compound heterozygote that carried a reported pathogenic variant in trans, which increases the likelihood that the p.Trp32Gly variant is pathogenic (PMID: 10932264, 34755096; Variation ID: 3098). In vitro functional studies provide some evidence that the p.Trp32Gly variant may impact protein function (PMID: 12019207, 11739371, 34755096). However, these types of assays may not accurately represent biological function. Computational prediction tools and conservation analyses suggest that this variant may impact the protein, though this information is not predictive enough to determine pathogenicity. In summary, although additional studies are required to fully establish its clinical significance, this variant is likely pathogenic for autosomal recessive Lafora disease. ACMG/AMP Criteria applied: PM3, PS3_moderate, PP3, PM2_supporting (Richards 2015).

GeneDx
Classification: Likely pathogenic. Last evaluated: 2023-01-06. Review status: criteria provided, single submitter. Criteria: GeneDx Variant Classification Process June 2021. Collection method: clinical testing. Allele origin: germline. Affected: yes.
Comment: Multiple published functional studies demonstrate a damaging effect, as W32G alters protein stability and phosphatase activity, damaging the intracellular glycogen complex and leading to mis-targeting of laforin (Ganesh et al., 2002; Wang et al., 2002; Wang et al., 2004; Srikumar et al., 2014; Meekins et al., 2015; Raththagala et al., 2015); Not observed at significant frequency in large population cohorts (gnomAD); In silico analysis supports that this missense variant has a deleterious effect on protein structure/function; This variant is associated with the following publications: (PMID: 14532330, 14706656, 18029386, 18040046, 25544560, 24770803, 15541350, 26231210, 10932264, 22669944, 34755096, 33084218, 34117373, 12019207, 28934672, 31227012, 11739371)

Labcorp Genetics (formerly Invitae), Labcorp
Classification: Pathogenic for Progressive myoclonic epilepsy. Last evaluated: 2022-07-21. Review status: criteria provided, single submitter. Criteria: Invitae Variant Classification Sherloc (09022015). Collection method: clinical testing. Allele origin: germline.
Comment: This variant is not present in population databases (gnomAD no frequency). For these reasons, this variant has been classified as Pathogenic. Experimental studies have shown that this missense change affects EPM2A function (PMID: 11739371, 12019207, 14532330). Algorithms developed to predict the effect of missense changes on protein structure and function are either unavailable or do not agree on the potential impact of this missense change (SIFT: "Deleterious"; PolyPhen-2: "Probably Damaging"; Align-GVGD: "Class C0"). ClinVar contains an entry for this variant (Variation ID: 3107). This missense change has been observed in individual(s) with EPM2A-related conditions (PMID: 10932264). This sequence change replaces tryptophan, which is neutral and slightly polar, with glycine, which is neutral and non-polar, at codon 32 of the EPM2A protein (p.Trp32Gly).

OMIM
Classification: Pathogenic for MYOCLONIC EPILEPSY OF LAFORA 1. Last evaluated: 2002-01-25. Review status: no assertion criteria provided. Collection method: literature only. Allele origin: germline. Not counted in ClinVar's aggregate classification.

Literature cited by the submitters: PubMed 11739371 (cited by Labcorp Genetics (formerly Invitae), Labcorp and OMIM); PubMed 12019207 (cited by Labcorp Genetics (formerly Invitae), Labcorp); PubMed 14532330 (cited by Labcorp Genetics (formerly Invitae), Labcorp); PubMed 10932264 (cited by Labcorp Genetics (formerly Invitae), Labcorp and OMIM).

NM_005670.4(EPM2A):c.94T>G (p.Trp32Gly)

Genes: EPM2A (EPM2A glucan phosphatase, laforin; minus strand), EPM2A-DT (EPM2A divergent transcript; plus strand), LOC129997381 (ATAC-STARR-seq lymphoblastoid silent region 17642; plus strand). Cytogenetic location: 6q24.3.
Variant type: single nucleotide variant.
Coding change: c.94T>G on transcript NM_005670.4 (MANE Select); coding-DNA position 94, T replaced by G.
Protein change: p.Trp32Gly; replaces tryptophan 32 with glycine.
Molecular consequence: missense variant. On other transcripts: 5 prime UTR variant (3), intron variant (1).
Genome position (GRCh38, 1-based): chr6:145,735,405, A>C on the plus strand (T>G on the coding strand, the complement: EPM2A is on the minus strand). VCF-style: chr6-145735405-A-C. GRCh37 (hg19) VCF-style: chr6-146056541-A-C.
Other names: NM_005670.4(EPM2A):c.94T>G; c.94T>G, p.Trp32Gly (NM_001018041.2, NM_001360057.2, NM_001368130.1); c.-576T>G (NM_001360071.2); c.-530T>G (NM_001368129.2); c.-274T>G (NM_001368131.1); c.-114+503T>G (NM_001360064.2); short protein forms W32G.
Identifiers: ClinVar variation 3107 (VCV000003107.9), dbSNP rs104893955, ClinGen allele CA252549.